The following is an entry in ClinVar:

ClinVar aggregate classification (germline): Likely pathogenic. Review status: criteria provided, multiple submitters, no conflicts (2 of 4 stars). 3 submissions from 3 submitters: Likely pathogenic (3). Last evaluated 2025-07-28.

Conditions:
Ciliopathy. Also called: Ciliopathies. Identifiers: Orphanet 363250, MedGen C4277690, MONDO:0005308, MeSH D000072661.
Meckel-Gruber syndrome. Also called: Dysencephalia splachnocystica; DYSENCEPHALIA SPLANCHNOCYSTICA; GRUBER SYNDROME. Identifiers: Orphanet 564, MedGen C0265215, MONDO:0018921.
Joubert syndrome. Also called: Familial aplasia of the vermis; JOUBERT-BOLTSHAUSER SYNDROME. Identifiers: Orphanet 475, MedGen C5979921, MONDO:0018772.
Meckel syndrome, type 1 (MKS1). Also called: MECKEL-GRUBER SYNDROME, TYPE 1. Identifiers: Orphanet 564, MedGen C3714506, MONDO:0009571, OMIM 249000.

Submissions (3):

Myriad Genetics, Inc.
Classification: Likely pathogenic for Ciliopathy. Last evaluated: 2025-07-28. Review status: criteria provided, single submitter. Criteria: Myriad Autosomal Dominant, Autosomal Recessive and X-Linked Classification Criteria (2023). Collection method: clinical testing. Allele origin: unknown.
Comment: NM_017777.3(MKS1):c.81-2A>G is a variant in a canonical splice site classified as likely pathogenic in the context of MKS1-related disorders. c.81-2A>G has not been observed in cases with relevant disease. Relevant functional assessments of this variant are not available in the literature. c.81-2A>G has not been observed in referenced population frequency databases. In summary, NM_017777.3(MKS1):c.81-2A>G is a variant in a canonical splice site in a gene where loss of function is a known mechanism of disease and is predicted to disrupt protein function. Please note: this variant was assessed in the context of healthy population screening.

Natera, Inc.
Classification: Likely pathogenic for Meckel syndrome type 1. Last evaluated: 2025-03-13. Review status: criteria provided, single submitter. Criteria: Natera Variant Classification Schema (03/2026). Collection method: clinical testing. Allele origin: germline.
Comment: The c.81-2A>G variant in MKS1 is a canonical splice acceptor site variant predicted to affect pre-mRNA splicing, which may result in an abnormal transcript and altered protein product. This variant is expected to result in nonsense mediated decay, truncation, or a dysfunctional protein product. This variant is rare in the general population with a frequency below the threshold expected for the associated phenotype(s). Given the available evidence, this variant is classified as Likely Pathogenic.

Labcorp Genetics (formerly Invitae), Labcorp
Classification: Likely pathogenic for Joubert syndrome; Meckel-Gruber syndrome. Last evaluated: 2023-07-28. Review status: criteria provided, single submitter. Criteria: Invitae Variant Classification Sherloc (09022015). Collection method: clinical testing. Allele origin: germline.
Comment: In summary, the currently available evidence indicates that the variant is pathogenic, but additional data are needed to prove that conclusively. Therefore, this variant has been classified as Likely Pathogenic. Algorithms developed to predict the effect of sequence changes on RNA splicing suggest that this variant may disrupt the consensus splice site. This variant has not been reported in the literature in individuals affected with MKS1-related conditions. This variant is not present in population databases (gnomAD no frequency). This sequence change affects an acceptor splice site in intron 1 of the MKS1 gene. It is expected to disrupt RNA splicing. Variants that disrupt the donor or acceptor splice site typically lead to a loss of protein function (PMID: 16199547), and loss-of-function variants in MKS1 are known to be pathogenic (PMID: 19466712, 24886560, 26490104).

Literature cited by the submitters: PubMed 16199547 (cited by Labcorp Genetics (formerly Invitae), Labcorp); PubMed 19466712 (cited by Labcorp Genetics (formerly Invitae), Labcorp); PubMed 24886560 (cited by Labcorp Genetics (formerly Invitae), Labcorp); PubMed 26490104 (cited by Labcorp Genetics (formerly Invitae), Labcorp).

NM_017777.4(MKS1):c.81-2A>G

Gene: MKS1 (MKS transition zone complex subunit 1; minus strand). Cytogenetic location: 17q22.
Variant type: single nucleotide variant.
Coding change: c.81-2A>G on transcript NM_017777.4 (MANE Select); the canonical splice acceptor site of the intron before coding-DNA position 81, A replaced by G.
Molecular consequence: splice acceptor variant.
Genome position (GRCh38, 1-based): chr17:58,218,731, T>C on the plus strand (A>G on the coding strand, the complement: MKS1 is on the minus strand). VCF-style: chr17-58218731-T-C. GRCh37 (hg19) VCF-style: chr17-56296092-T-C.
Other names: c.-431-2A>G (NM_001321268.2); c.81-2A>G (NM_001330397.2, NM_001321269.2, NM_001411113.1 and 1 more transcripts).
Identifiers: ClinVar variation 2950389 (VCV002950389.5), dbSNP rs756709080, ClinGen allele CA400328093.